The following is an entry in ClinVar:

ClinVar aggregate classification (germline): Benign (1 of 4 stars; one submission).

Conditions:
Lynch syndrome 4 (LYNCH4). Also called: Colorectal cancer, hereditary nonpolyposis, type 4; Hereditary non-polyposis colorectal cancer, type 4. Identifiers: Orphanet 144, MedGen C1838333, MONDO:0013699, OMIM 614337. Disease mechanism: loss of function.

Submission:

Myriad Genetics, Inc.
Classification: Benign for Lynch syndrome 4. Last evaluated: 2025-01-31. Review status: criteria provided, single submitter. Criteria: Myriad Autosomal Dominant, Autosomal Recessive and X-Linked Classification Criteria (2023). Collection method: clinical testing. Allele origin: unknown.
Comment: This variant is considered benign. This variant is a silent/synonymous amino acid change and it is not expected to impact splicing.

NM_000535.7(PMS2):c.1641A>T (p.Ser547=)

Gene: PMS2 (PMS1 homolog 2, mismatch repair system component; minus strand). Cytogenetic location: 7p22.1.
Variant type: single nucleotide variant.
Coding change: c.1641A>T on transcript NM_000535.7 (MANE Select); coding-DNA position 1641, A replaced by T.
Protein change: p.Ser547=; no amino-acid change (serine 547 retained).
Molecular consequence: synonymous variant. On other transcripts: non-coding transcript variant (1), intron variant (1).
Genome position (GRCh38, 1-based): chr7:5,987,124, T>A on the plus strand (A>T on the coding strand, the complement: PMS2 is on the minus strand). VCF-style: chr7-5987124-T-A. GRCh37 (hg19) VCF-style: chr7-6026755-T-A.
Other names: c.1236A>T, p.Ser412= (NM_001322003.2, NM_001322004.2, NM_001322005.2 and 16 more transcripts); c.1485A>T, p.Ser495= (NM_001322006.2, NM_001406870.1); c.1323A>T, p.Ser441= (NM_001322007.2, NM_001322008.2, NM_001406876.1 and 2 more transcripts); c.1080A>T, p.Ser360= (NM_001322010.2, NM_001406906.1, NM_001406907.1); c.708A>T, p.Ser236= (NM_001322011.2, NM_001322012.2); c.1068A>T, p.Ser356= (NM_001322013.2, NM_001406909.1); c.1641A>T, p.Ser547= (NM_001322014.2, NM_001406871.1, NM_001406872.1); c.1332A>T, p.Ser444= (NM_001322015.2, NM_001406875.1, NM_001406877.1 and 5 more transcripts); and 13 more.
Identifiers: ClinVar variation 3904257 (VCV003904257.1).
Genomic context (GRCh38, chr7:5,987,124, plus strand): 5'-CTGAGGCAAAACTCGAAATTTACATCCGGTATCTTCCTGGTTTGAATGGCAGTCCACATC[T>A]GAAAAAGAGTCGTCAGTTTTAGGCGCTTTCTCCTGAGAGTCCACATGTTCCTGCGAGCCC-3'
Protein context (NP_000526.2, residues 537-557): EKAPKTDDSF[Ser547=]DVDCHSNQED